The following is an entry in ClinVar:

ClinVar aggregate classification (germline): Uncertain significance. Review status: criteria provided, multiple submitters, no conflicts (2 of 4 stars). 2 submissions from 2 submitters: Uncertain significance (2). Last evaluated 2025-10-08.

Conditions:
Inborn genetic diseases. Identifiers: MedGen C0950123, MeSH D030342.

Allele frequency attached by ClinVar (database versions not stated): gnomAD 0.00001; ExAC 0.00002; gnomAD exomes 0.00003; TOPMed 0.00003; ESP Exome Variant Server 0.00008.
gnomAD v4.1: 47 of 1,614,036 alleles (0.0029%); highest among the groups gnomAD compares: Non-Finnish European, 0.00042%; no homozygotes.

Submissions (2):

Ambry Genetics
Classification: Uncertain significance for Inborn genetic diseases. Last evaluated: 2025-10-08. Review status: criteria provided, single submitter. Criteria: Ambry Variant Classification Scheme 2023. Collection method: clinical testing. Allele origin: germline.

Labcorp Genetics (formerly Invitae), Labcorp
Classification: Uncertain significance. Last evaluated: 2024-12-12. Review status: criteria provided, single submitter. Criteria: Invitae Variant Classification Sherloc (09022015). Collection method: clinical testing. Allele origin: germline.
Comment: This sequence change replaces valine, which is neutral and non-polar, with alanine, which is neutral and non-polar, at codon 1286 of the LTBP2 protein (p.Val1286Ala). This variant is present in population databases (rs376816374, gnomAD 0.09%). This variant has not been reported in the literature in individuals affected with LTBP2-related conditions. ClinVar contains an entry for this variant (Variation ID: 2186180). An algorithm developed to predict the effect of missense changes on protein structure and function (PolyPhen-2) suggests that this variant is likely to be disruptive. In summary, the available evidence is currently insufficient to determine the role of this variant in disease. Therefore, it has been classified as a Variant of Uncertain Significance.

NM_000428.3(LTBP2):c.3857T>C (p.Val1286Ala)

Gene: LTBP2 (latent transforming growth factor beta binding protein 2; minus strand). Cytogenetic location: 14q24.3.
Variant type: single nucleotide variant.
Coding change: c.3857T>C on transcript NM_000428.3 (MANE Select); coding-DNA position 3857, T replaced by C.
Protein change: p.Val1286Ala; replaces valine 1286 with alanine.
Molecular consequence: missense variant.
Genome position (GRCh38, 1-based): chr14:74,507,229, A>G on the plus strand (T>C on the coding strand, the complement: LTBP2 is on the minus strand). VCF-style: chr14-74507229-A-G. GRCh37 (hg19) VCF-style: chr14-74973932-A-G.
Other names: c.3857T>C (NM_000428.2); short protein forms V1286A.
Identifiers: ClinVar variation 2186180 (VCV002186180.5), dbSNP rs376816374, ClinGen allele CA7269011.